The following is an entry in ClinVar:

ClinVar aggregate classification (germline): Conflicting classifications of pathogenicity. Review status: criteria provided, conflicting classifications (1 of 4 stars). 2 submissions from 2 submitters: Uncertain significance (1); Likely benign (1). Last evaluated 2026-01-01.

Conditions:
Inborn genetic diseases. Identifiers: MedGen C0950123, MeSH D030342.

Allele frequency attached by ClinVar (database versions not stated): 1000 Genomes Project 30x 0.00281; gnomAD 0.00290; 1000 Genomes Project 0.00319; ExAC 0.00331; TOPMed 0.00333; ESP Exome Variant Server 0.00400.
gnomAD v4.1: 5,673 of 1,614,134 alleles (0.35%); highest among the groups gnomAD compares: Middle Eastern, 1.2%; 15 homozygotes.

Submissions (2):

CeGaT Center for Human Genetics Tuebingen
Classification: Likely benign. Last evaluated: 2026-01-01. Review status: criteria provided, single submitter. Criteria: CeGaT Center For Human Genetics Tuebingen Variant Classification Criteria Version 2. Collection method: clinical testing. Allele origin: germline. Affected: yes. Observed: 2 variant alleles.
Comment: ZP1: BP4, BS2

Ambry Genetics
Classification: Uncertain significance for Inborn genetic diseases. Last evaluated: 2022-01-10. Review status: criteria provided, single submitter. Criteria: Ambry Variant Classification Scheme 2023. Collection method: clinical testing. Allele origin: germline.

NM_207341.4(ZP1):c.212G>A (p.Arg71Gln)

Gene: ZP1 (zona pellucida glycoprotein 1; plus strand). Cytogenetic location: 11q12.2.
Variant type: single nucleotide variant.
Coding change: c.212G>A on transcript NM_207341.4 (MANE Select); coding-DNA position 212, G replaced by A.
Protein change: p.Arg71Gln; replaces arginine 71 with glutamine.
Molecular consequence: missense variant.
Genome position (GRCh38, 1-based): chr11:60,869,160, G>A. VCF-style: chr11-60869160-G-A. GRCh37 (hg19) VCF-style: chr11-60636633-G-A.
Other names: short protein forms R71Q.
Identifiers: ClinVar variation 2233500 (VCV002233500.26), dbSNP rs140966353, ClinGen allele CA6027212.
Genomic context (GRCh38, chr11:60,869,160, plus strand): 5'-CTGCACCCTTCAACATCCCTGGCCCCTCCCCTTCCCCCACTGCAGATGAATTTGGGAACC[G>A]ATTTGATGTCAACAACTGCTCCATCTGCTACCACTGGGTCACCTCCAGGCCGCAGGAGCC-3'
Protein context (NP_997224.2, residues 61-81): RFKVVDEFGN[Arg71Gln]FDVNNCSICY